The following is an entry in ClinVar:

ClinVar aggregate classification (germline): Uncertain significance. Review status: criteria provided, single submitter (1 of 4 stars). 2 submissions from 2 submitters: Uncertain significance (1). 1 of the submissions does not count toward it. Last evaluated 2025-01-26.

Conditions:
Aortic aneurysm, familial thoracic 8 (AAT8). Identifiers: MedGen C3809513, MONDO:0014187, OMIM 615436.

Allele frequency attached by ClinVar (database versions not stated): gnomAD exomes below 0.00001.
gnomAD v4.1: 2 of 1,613,846 alleles (0.00012%); highest among the groups gnomAD compares: Non-Finnish European, 0.00017%; no homozygotes.

Submissions (2):

Labcorp Genetics (formerly Invitae), Labcorp
Classification: Uncertain significance for Aortic aneurysm, familial thoracic 8. Last evaluated: 2025-01-26. Review status: criteria provided, single submitter. Criteria: Invitae Variant Classification Sherloc (09022015). Collection method: clinical testing. Allele origin: germline.
Comment: This sequence change replaces threonine, which is neutral and polar, with asparagine, which is neutral and polar, at codon 272 of the PRKG1 protein (p.Thr272Asn). This variant is not present in population databases (gnomAD no frequency). This variant has not been reported in the literature in individuals affected with PRKG1-related conditions. ClinVar contains an entry for this variant (Variation ID: 1049118). An algorithm developed to predict the effect of missense changes on protein structure and function (PolyPhen-2) suggests that this variant is likely to be tolerated. In summary, the available evidence is currently insufficient to determine the role of this variant in disease. Therefore, it has been classified as a Variant of Uncertain Significance.

Department of Pathology and Laboratory Medicine, Sinai Health System
Classification: Uncertain significance for Aortic aneurysm, familial thoracic 8. Review status: no assertion criteria provided. Collection method: clinical testing. Allele origin: unknown. Affected: yes. Study: The Canadian Open Genetics Repository (COGR). Not counted in ClinVar's aggregate classification.

NM_006258.4(PRKG1):c.815C>A (p.Thr272Asn)

Gene: PRKG1 (protein kinase cGMP-dependent 1; plus strand). Cytogenetic location: 10q21.1.
Variant type: single nucleotide variant.
Coding change: c.815C>A on transcript NM_006258.4 (MANE Select); coding-DNA position 815, C replaced by A.
Protein change: p.Thr272Asn; replaces threonine 272 with asparagine.
Molecular consequence: missense variant. On other transcripts: 5 prime UTR variant (1).
Genome position (GRCh38, 1-based): chr10:52,054,536, C>A. VCF-style: chr10-52054536-C-A. GRCh37 (hg19) VCF-style: chr10-53814296-C-A.
Other names: c.770C>A, p.Thr257Asn (NM_001098512.3); c.-395C>A (NM_001374781.1); c.815C>A, p.Thr272Asn (NM_001374782.1); short protein forms T257N, T272N.
Identifiers: ClinVar variation 1049118 (VCV001049118.3), dbSNP rs2133254714, ClinGen allele CA376533897.